The following is an entry in ClinVar:

ClinVar aggregate classification (germline): Uncertain significance (0 of 4 stars; one submission).

Conditions:
PLXNA1-related disorder. Also called: PLXNA1-related condition.

gnomAD v4.1: 15 of 1,610,346 alleles (0.00093%); highest among the groups gnomAD compares: Non-Finnish European, 0.0012%; no homozygotes.

Submission:

PreventionGenetics, part of Exact Sciences
Classification: Uncertain significance for PLXNA1-related condition. Last evaluated: 2024-06-14. Review status: no assertion criteria provided. Collection method: clinical testing. Allele origin: germline.
Comment: The PLXNA1 c.2098G>A variant is predicted to result in the amino acid substitution p.Val700Ile. To our knowledge, this variant has not been reported in the literature. This variant is reported in 0.00089% of alleles in individuals of European (Non-Finnish) descent in gnomAD. At this time, the clinical significance of this variant is uncertain due to the absence of conclusive functional and genetic evidence.

NM_032242.4(PLXNA1):c.2098G>A (p.Val700Ile)

Gene: PLXNA1 (plexin A1; plus strand). Cytogenetic location: 3q21.3.
Variant type: single nucleotide variant.
Coding change: c.2098G>A on transcript NM_032242.4 (MANE Select); coding-DNA position 2098, G replaced by A.
Protein change: p.Val700Ile; replaces valine 700 with isoleucine.
Molecular consequence: missense variant.
Genome position (GRCh38, 1-based): chr3:127,007,899, G>A. VCF-style: chr3-127007899-G-A. GRCh37 (hg19) VCF-style: chr3-126726742-G-A.
Other names: short protein forms V700I.
Identifiers: ClinVar variation 3350777 (VCV003350777.1).